The following is an entry in ClinVar:

NM_022089.4(ATP13A2):c.2251+6A>C

Gene: ATP13A2 (ATPase cation transporting 13A2; minus strand). Cytogenetic location: 1p36.13.
Variant type: single nucleotide variant.
Coding change: c.2251+6A>C on transcript NM_022089.4 (MANE Select); 6 bases into the intron after coding-DNA position 2251, A replaced by C.
Molecular consequence: intron variant.
Genome position (GRCh38, 1-based): chr1:16,991,728, T>G on the plus strand (A>C on the coding strand, the complement: ATP13A2 is on the minus strand). VCF-style: chr1-16991728-T-G. GRCh37 (hg19) VCF-style: chr1-17318223-T-G.
Other names: c.2236+6A>C (NM_001141974.3, NM_001141973.3).
Identifiers: ClinVar variation 546590 (VCV000546590.48), dbSNP rs773458244, ClinGen allele CA636925.
Genomic context (GRCh38, chr1:16,991,728, plus strand): 5'-CCCTCTTCTCTGCCAGGAAGGGGCGGATTCTGCCCTGCTAGCCCGGGCCCCTACATGCCA[T>G]TGTACCTGTCACCATGACGGCGCGGATGCGGGTCCTTCGCAGAGCCTGGATAACTGGCGT-3'

ClinVar aggregate classification (germline): Conflicting classifications of pathogenicity. Review status: criteria provided, conflicting classifications (1 of 4 stars). 3 submissions from 3 submitters: Uncertain significance (2); Likely benign (1). Last evaluated 2024-10-07.

Conditions:
Autosomal recessive spastic paraplegia type 78. Identifiers: Orphanet 513436, MedGen C5567893, MONDO:0014975, OMIM 617225.
Kufor-Rakeb syndrome (KRS). Also called: PARKINSON DISEASE 9, AUTOSOMAL RECESSIVE, JUVENILE-ONSET. Identifiers: Orphanet 306674, Orphanet 314632, MedGen C1847640, MONDO:0011706, OMIM 606693.

Allele frequency attached by ClinVar (database versions not stated): gnomAD exomes 0.00002; ExAC 0.00003; TOPMed 0.00004.
gnomAD v4.1: 29 of 1,613,928 alleles (0.0018%); highest among the groups gnomAD compares: Non-Finnish European, 0.0022%; no homozygotes.

Submissions (3):

Blueprint Genetics
Classification: Likely benign. Last evaluated: 2024-10-07. Review status: criteria provided, single submitter. Criteria: ACMG Guidelines, 2015. Collection method: clinical testing. Allele origin: germline.

Labcorp Genetics (formerly Invitae), Labcorp
Classification: Uncertain significance for Kufor-Rakeb syndrome; Autosomal recessive spastic paraplegia type 78. Last evaluated: 2022-08-09. Review status: criteria provided, single submitter. Criteria: Invitae Variant Classification Sherloc (09022015). Collection method: clinical testing. Allele origin: germline.
Comment: Variants that disrupt the consensus splice site are a relatively common cause of aberrant splicing (PMID: 17576681, 9536098). Algorithms developed to predict the effect of sequence changes on RNA splicing suggest that this variant is not likely to affect RNA splicing. In summary, the available evidence is currently insufficient to determine the role of this variant in disease. Therefore, it has been classified as a Variant of Uncertain Significance. This sequence change falls in intron 20 of the ATP13A2 gene. It does not directly change the encoded amino acid sequence of the ATP13A2 protein. It affects a nucleotide within the consensus splice site. This variant is present in population databases (rs773458244, gnomAD 0.01%). This variant has not been reported in the literature in individuals affected with ATP13A2-related conditions. ClinVar contains an entry for this variant (Variation ID: 546590).

CeGaT Center for Human Genetics Tuebingen
Classification: Uncertain significance. Last evaluated: 2018-02-01. Review status: criteria provided, single submitter. Criteria: CeGaT Center For Human Genetics Tuebingen Variant Classification Criteria Version 2. Collection method: clinical testing. Allele origin: germline. Affected: yes. Observed: 1 variant allele.

Literature cited by the submitters: PubMed 17576681 (cited by Labcorp Genetics (formerly Invitae), Labcorp); PubMed 9536098 (cited by Labcorp Genetics (formerly Invitae), Labcorp).